The following is an entry in ClinVar:

ClinVar aggregate classification (germline): Uncertain significance (1 of 4 stars; one submission).

Submission:

GeneDx
Classification: Uncertain significance. Last evaluated: 2019-10-11. Review status: criteria provided, single submitter. Criteria: GeneDx Variant Classification Process June 2021. Collection method: clinical testing. Allele origin: germline. Affected: yes.
Comment: Not observed in large population cohorts (Lek et al., 2016); In silico analysis, which includes protein predictors and evolutionary conservation, supports a deleterious effect; Has not been previously published as pathogenic or benign to our knowledge

NM_001197104.2(KMT2A):c.3761C>T (p.Pro1254Leu)

Gene: KMT2A (lysine methyltransferase 2A; plus strand). Cytogenetic location: 11q23.3.
Variant type: single nucleotide variant.
Coding change: c.3761C>T on transcript NM_001197104.2 (MANE Select); coding-DNA position 3761, C replaced by T.
Protein change: p.Pro1254Leu; replaces proline 1254 with leucine.
Molecular consequence: missense variant.
Genome position (GRCh38, 1-based): chr11:118,481,841, C>T. VCF-style: chr11-118481841-C-T. GRCh37 (hg19) VCF-style: chr11-118352556-C-T.
Other names: c.3761C>T, p.Pro1254Leu (NM_005933.4); short protein forms P1254L.
Identifiers: ClinVar variation 1186104 (VCV001186104.2), dbSNP rs2134299970, ClinGen allele CA382827734.